The following is an entry in ClinVar:

ClinVar aggregate classification (germline): Uncertain significance (1 of 4 stars; one submission).

Allele frequency attached by ClinVar (database versions not stated): gnomAD exomes below 0.00001; ExAC 0.00001.
gnomAD v4.1: 13 of 1,613,312 alleles (0.00081%); highest among the groups gnomAD compares: Non-Finnish European, 0.0011%; no homozygotes.

Submission:

Labcorp Genetics (formerly Invitae), Labcorp
Classification: Uncertain significance. Last evaluated: 2021-05-13. Review status: criteria provided, single submitter. Criteria: Invitae Variant Classification Sherloc (09022015). Collection method: clinical testing. Allele origin: germline.
Comment: In summary, the available evidence is currently insufficient to determine the role of this variant in disease. Therefore, it has been classified as a Variant of Uncertain Significance. Algorithms developed to predict the effect of missense changes on protein structure and function (SIFT, PolyPhen-2, Align-GVGD) all suggest that this variant is likely to be disruptive, but these predictions have not been confirmed by published functional studies and their clinical significance is uncertain. This variant has not been reported in the literature in individuals with FLNB-related conditions. This variant is present in population databases (rs768051981, ExAC 0.002%). This sequence change replaces arginine with lysine at codon 733 of the FLNB protein (p.Arg733Lys). The arginine residue is highly conserved and there is a small physicochemical difference between arginine and lysine.

NM_001457.4(FLNB):c.2198G>A (p.Arg733Lys)

Gene: FLNB (filamin B; plus strand). Cytogenetic location: 3p14.3.
Variant type: single nucleotide variant.
Coding change: c.2198G>A on transcript NM_001457.4 (MANE Select); coding-DNA position 2198, G replaced by A.
Protein change: p.Arg733Lys; replaces arginine 733 with lysine.
Molecular consequence: missense variant.
Genome position (GRCh38, 1-based): chr3:58,109,321, G>A. VCF-style: chr3-58109321-G-A. GRCh37 (hg19) VCF-style: chr3-58095048-G-A.
Other names: c.2198G>A, p.Arg733Lys (NM_001164317.2, NM_001164318.2, NM_001164319.2); short protein forms R733K.
Identifiers: ClinVar variation 1483428 (VCV001483428.8), dbSNP rs768051981, ClinGen allele CA2468046.